The following is an entry in ClinVar:

ClinVar aggregate classification (germline): Conflicting classifications of pathogenicity. Review status: criteria provided, conflicting classifications (1 of 4 stars). 4 submissions from 4 submitters: Uncertain significance (2); Likely benign (2). Last evaluated 2025-11-24.

Conditions:
Inborn genetic diseases. Identifiers: MedGen C0950123, MeSH D030342.
Dyskeratosis congenita, autosomal dominant 6 (DKCA6). Identifiers: Orphanet 3322, MedGen C4225284, MONDO:0014690, OMIM 616553.

Allele frequency attached by ClinVar (database versions not stated): gnomAD 0.00002 and 0.00004; TOPMed 0.00002; ExAC 0.00003; gnomAD exomes 0.00005.

Submissions (4):

Labcorp Genetics (formerly Invitae), Labcorp
Classification: Uncertain significance for Dyskeratosis congenita, autosomal dominant 6. Last evaluated: 2025-11-24. Review status: criteria provided, single submitter. Criteria: Invitae Variant Classification Sherloc (09022015). Collection method: clinical testing. Allele origin: germline.
Comment: This sequence change replaces arginine, which is basic and polar, with histidine, which is basic and polar, at codon 421 of the ACD protein (p.Arg421His). This variant is present in population databases (rs774558672, gnomAD 0.03%). This variant has not been reported in the literature in individuals affected with ACD-related conditions. ClinVar contains an entry for this variant (Variation ID: 1417229). Invitae Evidence Modeling of protein sequence and biophysical properties (such as structural, functional, and spatial information, amino acid conservation, physicochemical variation, residue mobility, and thermodynamic stability) indicates that this missense variant is not expected to disrupt ACD protein function with a negative predictive value of 80%. In summary, the available evidence is currently insufficient to determine the role of this variant in disease. Therefore, it has been classified as a Variant of Uncertain Significance.

Ambry Genetics
Classification: Likely benign for Inborn genetic diseases. Last evaluated: 2025-08-07. Review status: criteria provided, single submitter. Criteria: Ambry Variant Classification Scheme 2023. Collection method: clinical testing. Allele origin: germline.

Blueprint Genetics
Classification: Likely benign. Last evaluated: 2023-11-29. Review status: criteria provided, single submitter. Criteria: ACMG Guidelines, 2015. Collection method: clinical testing. Allele origin: germline.

Women's Health and Genetics/Laboratory Corporation of America, LabCorp
Classification: Uncertain significance. Last evaluated: 2023-10-19. Review status: criteria provided, single submitter. Criteria: LabCorp Variant Classification Summary - May 2015. Collection method: clinical testing. Allele origin: germline.
Comment: Variant summary: ACD c.1004G>A (p.Arg335His) results in a non-conservative amino acid change in the encoded protein sequence. Three of four in-silico tools predict a benign effect of the variant on protein function. The variant allele was found at a frequency of 4.9e-05 in 247022 control chromosomes (gnomAD). c.1262G>A has been reported in the literature in a family with Retinitis pigmentosa, however the variant did not segregate with disease (example: Chen_2018). To our knowledge, no experimental evidence demonstrating an impact on protein function has been reported. Two submitters have cited clinical-significance assessments for this variant to ClinVar after 2014. The following publication has been ascertained in the context of this evaluation (PMID: 29843741). One submitter classified the variant as likely benign, and one submitter classified the variant as uncertain significance. Based on the evidence outlined above, the variant was classified as uncertain significance.

Literature cited by the submitters: PubMed 29843741 (cited by Women's Health and Genetics/Laboratory Corporation of America, LabCorp).

NM_001082486.2(ACD):c.1004G>A (p.Arg335His)

Gene: ACD (ACD shelterin complex subunit and telomerase recruitment factor; minus strand). Cytogenetic location: 16q22.1.
Variant type: single nucleotide variant.
Coding change: c.1004G>A on transcript NM_001082486.2 (MANE Select); coding-DNA position 1004, G replaced by A.
Protein change: p.Arg335His; replaces arginine 335 with histidine.
Molecular consequence: missense variant.
Genome position (GRCh38, 1-based): chr16:67,658,188, C>T on the plus strand (G>A on the coding strand, the complement: ACD is on the minus strand). VCF-style: chr16-67658188-C-T. GRCh37 (hg19) VCF-style: chr16-67692091-C-T.
Other names: c.995G>A, p.Arg332His (NM_022914.3); short protein forms R335H, R332H.
Identifiers: ClinVar variation 1417229 (VCV001417229.11), dbSNP rs774558672, ClinGen allele CA8114464.